The following is an entry in ClinVar:

ClinVar aggregate classification (germline): Uncertain significance (1 of 4 stars; one submission).

Conditions:
PKD1-related disorder. Also called: PKD1-related condition.

gnomAD v4.1: 7 of 1,595,120 alleles (0.00044%); highest among the groups gnomAD compares: East Asian, 0.0022%; no homozygotes.

Submission:

PreventionGenetics, part of Exact Sciences
Classification: Uncertain significance for PKD1-related condition. Last evaluated: 2026-03-18. Review status: criteria provided, single submitter. Criteria: ACMG Guidelines, 2015. Collection method: clinical testing. Allele origin: germline.
Comment: The PKD1 c.971G>A variant is predicted to result in the amino acid substitution p.Arg324His. This variant was reported in an individual with polycystic kidney disease (Table S7, Stranneheim et al. 2021. PubMed ID: 33726816). This variant is reported in 0.0067% of alleles in individuals of East Asian descent in gnomAD. At this time, the clinical significance of this variant is uncertain due to the absence of conclusive functional and genetic evidence.

NM_001009944.3(PKD1):c.971G>A (p.Arg324His)

Gene: PKD1 (polycystin 1, transient receptor potential channel interacting; minus strand). Cytogenetic location: 16p13.3.
Variant type: single nucleotide variant.
Coding change: c.971G>A on transcript NM_001009944.3 (MANE Select); coding-DNA position 971, G replaced by A.
Protein change: p.Arg324His; replaces arginine 324 with histidine.
Molecular consequence: missense variant.
Genome position (GRCh38, 1-based): chr16:2,118,021, C>T on the plus strand (G>A on the coding strand, the complement: PKD1 is on the minus strand). VCF-style: chr16-2118021-C-T. GRCh37 (hg19) VCF-style: chr16-2168022-C-T.
Other names: c.971G>A, p.Arg324His (NM_000296.4); short protein forms R324H.
Identifiers: ClinVar variation 4990720 (VCV004990720.1).